The following is an entry in ClinVar:

ClinVar aggregate classification (germline): Uncertain significance. Review status: reviewed by expert panel (3 of 4 stars). 3 submissions from 3 submitters: Uncertain significance (1). 2 of the submissions do not count toward it. Last evaluated 2024-10-29.

Conditions:
Hereditary thrombocytopenia and hematologic cancer predisposition syndrome. Identifiers: Orphanet 71290, MedGen CN281654, MONDO:0011071.
Inborn genetic diseases. Identifiers: MedGen C0950123, MeSH D030342.
Hereditary thrombocytopenia and hematological cancer predisposition syndrome associated with RUNX1. Also called: Familial Platelet Disorder with Propensity to Acute Myelogenous Leukemia; Familial thrombocytopenia with propensity to acute myelogenous leukemia; RUNX1 Familial Platelet Disorder with Associated Myeloid Malignancies; PLATELET DISORDER, ASPIRIN-LIKE. Identifiers: Orphanet 71290, MedGen C1832388, MeSH C563324, MONDO:0100083, OMIM 601399.

Submissions (3):

ClinGen Myeloid Malignancy Variant Curation Expert Panel
Classification: Uncertain significance for Hereditary thrombocytopenia and hematologic cancer predisposition syndrome. Last evaluated: 2024-10-29. Review status: reviewed by expert panel. Criteria: ClinGen MyeloMalig ACMG Specifications v2. Collection method: curation. Allele origin: germline. Inheritance: Autosomal dominant inheritance.
Comment: NM_001754.5(RUNX1):c.1426G>T (p.Val476Leu) is a missense variant. This variant is completely absent from all population databases with at least 20x coverage for RUNX1 (PM2_supporting). This variant has not been reported in any proband meeting at least one of the RUNX1-phenotypic criteria. This missense variant has a REVEL score of 0.502. In summary, this variant meets the criteria to be classified as a variant of uncertain significance. ACMG/AMP criteria applied, as specified by the Myeloid Malignancy Variant Curation Expert Panel for RUNX1: PM2_Supporting

Ambry Genetics
Classification: Uncertain significance for Inborn genetic diseases. Last evaluated: 2025-08-24. Review status: criteria provided, single submitter. Criteria: Ambry Variant Classification Scheme 2023. Collection method: clinical testing. Allele origin: germline. Not counted in ClinVar's aggregate classification.
Comment: The p.V476L variant (also known as c.1426G>T), located in coding exon 8 of the RUNX1 gene, results from a G to T substitution at nucleotide position 1426. The valine at codon 476 is replaced by leucine, an amino acid with highly similar properties. This amino acid position is conserved. In addition, the in silico prediction for this alteration is inconclusive. Based on the available evidence, the clinical significance of this variant remains unclear.

Labcorp Genetics (formerly Invitae), Labcorp
Classification: Uncertain significance for Hereditary thrombocytopenia and hematological cancer predisposition syndrome associated with RUNX1. Last evaluated: 2023-02-22. Review status: criteria provided, single submitter. Criteria: Invitae Variant Classification Sherloc (09022015). Collection method: clinical testing. Allele origin: germline. Not counted in ClinVar's aggregate classification.
Comment: In summary, the available evidence is currently insufficient to determine the role of this variant in disease. Therefore, it has been classified as a Variant of Uncertain Significance. Advanced modeling of protein sequence and biophysical properties (such as structural, functional, and spatial information, amino acid conservation, physicochemical variation, residue mobility, and thermodynamic stability) performed at Invitae indicates that this missense variant is not expected to disrupt RUNX1 protein function. This variant has not been reported in the literature in individuals affected with RUNX1-related conditions. This variant is not present in population databases (gnomAD no frequency). This sequence change replaces valine, which is neutral and non-polar, with leucine, which is neutral and non-polar, at codon 476 of the RUNX1 protein (p.Val476Leu).

NM_001754.5(RUNX1):c.1426G>T (p.Val476Leu)

Gene: RUNX1 (RUNX family transcription factor 1; minus strand). Cytogenetic location: 21q22.12.
Variant type: single nucleotide variant.
Coding change: c.1426G>T on transcript NM_001754.5 (MANE Select); coding-DNA position 1426, G replaced by T.
Protein change: p.Val476Leu; replaces valine 476 with leucine.
Molecular consequence: missense variant.
Genome position (GRCh38, 1-based): chr21:34,792,152, C>A on the plus strand (G>T on the coding strand, the complement: RUNX1 is on the minus strand). VCF-style: chr21-34792152-C-A. GRCh37 (hg19) VCF-style: chr21-36164449-C-A.
Other names: NM_001754.5(RUNX1):c.1426G>T; p.Val476Leu; c.1345G>T, p.Val449Leu (NM_001001890.3); short protein forms V449L, V476L.
Identifiers: ClinVar variation 3020821 (VCV003020821.5), dbSNP rs1195996714, ClinGen allele CA410146612.
Genomic context (GRCh38, chr21:34,792,152, plus strand): 5'-AAGGCGGCGGCCCGCGGGGCCCAGCCGGGCCAGGCCTGGCGCCTCAGTAGGGCCTCCACA[C>A]GGCCTCCTCCAGGCGCGCGGAGGGCGCCATGTTGGTGGGGGAGTTGCTGTGGCTGCCCTC-3'
Protein context (NP_001745.2, residues 466-480): MAPSARLEEA[Val476Leu]WRPY